The following is an entry in ClinVar:

NM_001114753.3(ENG):c.1748C>T (p.Thr583Ile)

Gene: ENG (endoglin; minus strand). Cytogenetic location: 9q34.11.
Variant type: single nucleotide variant.
Coding change: c.1748C>T on transcript NM_001114753.3 (MANE Select); coding-DNA position 1748, C replaced by T.
Protein change: p.Thr583Ile; replaces threonine 583 with isoleucine.
Molecular consequence: missense variant.
Genome position (GRCh38, 1-based): chr9:127,816,047, G>A on the plus strand (C>T on the coding strand, the complement: ENG is on the minus strand). VCF-style: chr9-127816047-G-A. GRCh37 (hg19) VCF-style: chr9-130578326-G-A.
Other names: c.1748C>T, p.Thr583Ile (NM_000118.4); c.1202C>T, p.Thr401Ile (NM_001278138.2); c.1748C>T (NM_001114753.1); short protein forms T401I, T583I.
Identifiers: ClinVar variation 3018891 (VCV003018891.4), dbSNP rs1165364320, ClinGen allele CA374972318.

ClinVar aggregate classification (germline): Uncertain significance. Review status: criteria provided, multiple submitters, no conflicts (2 of 4 stars). 2 submissions from 2 submitters: Uncertain significance (2). Last evaluated 2026-01-18.

Conditions:
Cardiovascular phenotype. Identifiers: MedGen CN230736.
Hereditary hemorrhagic telangiectasia (HHT). Also called: ORW DISEASE; Osler Weber Rendu syndrome; OSLER-RENDU-WEBER DISEASE; Osler hemorrhagic telangiectasia syndrome. Identifiers: Orphanet 774, MedGen C0039445, MONDO:0019180. Disease mechanism: loss of function.

Allele frequency attached by ClinVar (database versions not stated): gnomAD 0.00001; gnomAD exomes 0.00001.
gnomAD v4.1: 13 of 1,609,556 alleles (0.00081%); highest among the groups gnomAD compares: Admixed American, 0.0017%; no homozygotes.

Submissions (2):

Ambry Genetics
Classification: Uncertain significance for Cardiovascular phenotype. Last evaluated: 2026-01-18. Review status: criteria provided, single submitter. Criteria: Ambry Variant Classification Scheme 2023. Collection method: clinical testing. Allele origin: germline.
Comment: The p.T583I variant (also known as c.1748C>T), located in coding exon 14 of the ENG gene, results from a C to T substitution at nucleotide position 1748. The threonine at codon 583 is replaced by isoleucine, an amino acid with similar properties. This amino acid position is conserved. In addition, this alteration is predicted to be tolerated by in silico analysis. Based on the available evidence, the clinical significance of this variant remains unclear.

Labcorp Genetics (formerly Invitae), Labcorp
Classification: Uncertain significance for Hereditary hemorrhagic telangiectasia. Last evaluated: 2024-01-11. Review status: criteria provided, single submitter. Criteria: Invitae Variant Classification Sherloc (09022015). Collection method: clinical testing. Allele origin: germline.
Comment: This sequence change replaces threonine, which is neutral and polar, with isoleucine, which is neutral and non-polar, at codon 583 of the ENG protein (p.Thr583Ile). This variant is present in population databases (no rsID available, gnomAD 0.0008%). This variant has not been reported in the literature in individuals affected with ENG-related conditions. Advanced modeling of protein sequence and biophysical properties (such as structural, functional, and spatial information, amino acid conservation, physicochemical variation, residue mobility, and thermodynamic stability) performed at Invitae indicates that this missense variant is not expected to disrupt ENG protein function with a negative predictive value of 80%. In summary, the available evidence is currently insufficient to determine the role of this variant in disease. Therefore, it has been classified as a Variant of Uncertain Significance.